The following is an entry in ClinVar:

ClinVar aggregate classification (germline): Pathogenic (1 of 4 stars; one submission).

Conditions:
Familial intrahepatic cholestasis. Identifiers: Orphanet 284385, MedGen CN296401, MONDO:0017290.

Submission:

Genomenon, Inc
Classification: Pathogenic for Familial intrahepatic cholestasis. Last evaluated: 2026-04-14. Review status: criteria provided, single submitter. Criteria: Genomenon Sequence Variant Interpretation Standards - Updated. Collection method: curation. Allele origin: germline. Affected: yes.
Comment: ABCB11 p.Gly238ValfsTer4 (c.713del) is a frameshift variant that results in the production of a truncated protein which is predicted to undergo nonsense-mediated mRNA decay. This variant has been observed in at least one proband with an ABCB11-related disorder (PMID:39960943). It is absent or not present at a significant frequency in gnomAD. In conclusion, we classify ABCB11 p.Gly238ValfsTer4 (c.713del) as a pathogenic variant.

Literature cited by the submitters: PubMed 39960943.

NM_003742.4(ABCB11):c.713del (p.Gly238fs)

Gene: ABCB11 (ATP binding cassette subfamily B member 11; minus strand). Cytogenetic location: 2q31.1.
Variant type: Deletion.
Coding change: c.713del on transcript NM_003742.4 (MANE Select); coding-DNA position 713, one base deleted (G; older notation c.713delG).
Protein change: p.Gly238fs; shifts the reading frame from glycine 238.
Molecular consequence: frameshift variant.
Genome position (GRCh38, 1-based): chr2:168,993,781, C deleted on the plus strand (G on the coding strand, the reverse complement: ABCB11 is on the minus strand); the first of 4 consecutive C bases (chr2:168,993,781-168,993,784); deleting any one gives the same sequence. VCF-style (leftmost placement, unchanged base first): chr2-168993780-AC-A. GRCh37 (hg19) VCF-style: chr2-169850290-AC-A.
Other names: short protein forms G238fs.
Identifiers: ClinVar variation 4846016 (VCV004846016.1).
Genomic context (GRCh38, chr2:168,993,780, plus strand): 5'-GGTGGCTGCTCCAATCCCAATGAGAGGGCTGACAGAAATAATAACCAAGGTCAGTTTCCA[AC>A]CCCTGAAAAATCCCAACAGGAAACCACAGATGGTCGAGGTCATGCGCTGAATGAAAAGGG-3'